The following is an entry in ClinVar:

ClinVar aggregate classification (germline): Likely benign (1 of 4 stars; one submission).

Conditions:
UTP4-related disorder. Also called: UTP4-related condition.

gnomAD v4.1: 2 of 1,614,192 alleles (0.00012%); highest among the groups gnomAD compares: Non-Finnish European, 0.00017%; no homozygotes.

Submission:

PreventionGenetics, part of Exact Sciences
Classification: Likely benign for UTP4-related condition. Last evaluated: 2025-09-27. Review status: criteria provided, single submitter. Criteria: ACMG Guidelines, 2015. Collection method: clinical testing. Allele origin: germline.
Comment: This variant is classified as likely benign based on ACMG/AMP sequence variant interpretation guidelines (Richards et al. 2015 PMID: 25741868, with internal and published modifications).

NM_032830.3(UTP4):c.897G>T (p.Ala299=)

Gene: UTP4 (UTP4 small subunit processome component). Cytogenetic location: 16q22.1.
Variant type: single nucleotide variant.
Coding change: c.897G>T on transcript NM_032830.3 (MANE Select); coding-DNA position 897, G replaced by T.
Protein change: p.Ala299=; no amino-acid change (alanine 299 retained).
Molecular consequence: synonymous variant.
Genome position (GRCh38, 1-based): chr16:69,150,695, G>T. VCF-style: chr16-69150695-G-T. GRCh37 (hg19) VCF-style: chr16-69184598-G-T.
Other names: c.648G>T, p.Ala216= (NM_001318391.2).
Identifiers: ClinVar variation 4990973 (VCV004990973.1).